The following is an entry in ClinVar:

ClinVar aggregate classification (germline): Likely benign. Review status: criteria provided, single submitter (1 of 4 stars). 4 submissions from 4 submitters: Likely benign (1). 3 of the submissions do not count toward it. Last evaluated 2024-10-15.

Conditions:
LRP5-related disorder. Also called: LRP5-related condition.

Allele frequency attached by ClinVar (database versions not stated): ExAC 0.00089; gnomAD 0.00119 and 0.00128; gnomAD exomes 0.00126 and 0.00130; TOPMed 0.00127.
gnomAD v4.1: 628 of 504,820 alleles (0.12%); highest among the groups gnomAD compares: Non-Finnish European, 0.19%; 1 homozygote.

Submissions (4):

Blueprint Genetics
Classification: Likely benign. Last evaluated: 2024-10-15. Review status: criteria provided, single submitter. Criteria: ACMG Guidelines, 2015. Collection method: clinical testing. Allele origin: germline.

PreventionGenetics, part of Exact Sciences
Classification: Benign for LRP5-related condition. Last evaluated: 2019-09-03. Review status: no assertion criteria provided. Collection method: clinical testing. Allele origin: germline. Not counted in ClinVar's aggregate classification.
Comment: This variant is classified as benign based on ACMG/AMP sequence variant interpretation guidelines (Richards et al. 2015 PMID: 25741868, with internal and published modifications).

Clinical Genetics DNA and cytogenetics Diagnostics Lab, Erasmus MC, Erasmus Medical Center
Classification: Likely benign. Review status: no assertion criteria provided. Collection method: clinical testing. Allele origin: germline. Affected: yes. Study: VKGL Data-share Consensus. Not counted in ClinVar's aggregate classification.

Clinical Genetics, Academic Medical Center
Classification: Benign. Review status: no assertion criteria provided. Collection method: clinical testing. Allele origin: germline. Affected: yes. Study: VKGL Data-share Consensus. Not counted in ClinVar's aggregate classification.

NM_002335.4(LRP5):c.1801+725G>A

Gene: LRP5 (LDL receptor related protein 5; plus strand). Cytogenetic location: 11q13.2.
Variant type: single nucleotide variant.
Coding change: c.1801+725G>A on transcript NM_002335.4 (MANE Select); 725 bases into the intron after coding-DNA position 1801, G replaced by A.
Molecular consequence: intron variant.
Genome position (GRCh38, 1-based): chr11:68,404,424, G>A. VCF-style: chr11-68404424-G-A. GRCh37 (hg19) VCF-style: chr11-68171892-G-A.
Other names: c.58+8G>A (NM_001291902.1, NM_001291902.2).
Identifiers: ClinVar variation 1284644 (VCV001284644.6), dbSNP rs576510976, ClinGen allele CA6149446.